The following is an entry in ClinVar:

NM_144997.7(FLCN):c.862A>T (p.Lys288Ter)

Gene: FLCN (folliculin; minus strand). Cytogenetic location: 17p11.2.
Variant type: single nucleotide variant.
Coding change: c.862A>T on transcript NM_144997.7 (MANE Select); coding-DNA position 862, A replaced by T.
Protein change: p.Lys288Ter; replaces lysine 288 with a stop codon.
Molecular consequence: nonsense.
Genome position (GRCh38, 1-based): chr17:17,221,546, T>A on the plus strand (A>T on the coding strand, the complement: FLCN is on the minus strand). VCF-style: chr17-17221546-T-A. GRCh37 (hg19) VCF-style: chr17-17124860-T-A.
Other names: c.916A>T, p.Lys306Ter (NM_001353229.2); c.862A>T, p.Lys288Ter (NM_001353230.2, NM_001353231.2, NM_144606.7); short protein forms K288*, K306*.
Identifiers: ClinVar variation 2857534 (VCV002857534.3), dbSNP rs2544219177, ClinGen allele CA398533628.
Genomic context (GRCh38, chr17:17,221,546, plus strand): 5'-CGCCCCACGGCCATCCGGGCCAAGGCCCCGGCAACAGCACCCCTGCCTCACCAGCGAGCT[T>A]CTCCATCTGGACCAAGGTATCCTCGGTCGGAGCACCTTCCAGGAGCTTCTCGGTCAGCCG-3'

ClinVar aggregate classification (germline): Pathogenic (1 of 4 stars; one submission).

Conditions:
Birt-Hogg-Dube syndrome. Also called: Birt Hogg Dubé syndrome. Identifiers: Orphanet 122, MedGen C0346010, MONDO:0800444.

Submission:

Labcorp Genetics (formerly Invitae), Labcorp
Classification: Pathogenic for Birt-Hogg-Dube syndrome. Last evaluated: 2023-04-19. Review status: criteria provided, single submitter. Criteria: Invitae Variant Classification Sherloc (09022015). Collection method: clinical testing. Allele origin: germline.
Comment: For these reasons, this variant has been classified as Pathogenic. This variant has not been reported in the literature in individuals affected with FLCN-related conditions. This sequence change creates a premature translational stop signal (p.Lys288*) in the FLCN gene. It is expected to result in an absent or disrupted protein product. Loss-of-function variants in FLCN are known to be pathogenic (PMID: 15852235). This variant is not present in population databases (gnomAD no frequency).

Literature cited by the submitters: PubMed 15852235.